The following is an entry in ClinVar:

ClinVar aggregate classification (germline): Conflicting classifications of pathogenicity. Review status: criteria provided, conflicting classifications (1 of 4 stars). 5 submissions from 5 submitters: Uncertain significance (4); Likely benign (1). Last evaluated 2025-08-29.

Conditions:
MSH6-related disorder. Also called: MSH6-related condition; MSH6-Related disorders.
Hereditary nonpolyposis colorectal neoplasms. Identifiers: MedGen C0009405, MeSH D003123.
Hereditary cancer-predisposing syndrome. Also called: Neoplastic Syndromes, Hereditary; Hereditary Cancer Syndrome; Tumor predisposition; Hereditary neoplastic syndrome. Identifiers: Orphanet 140162, MedGen C0027672, MeSH D009386, MONDO:0015356.

Allele frequency attached by ClinVar (database versions not stated): gnomAD 0.00003; 1000 Genomes Project 30x 0.00031.
gnomAD v4.1: 4 of 1,609,350 alleles (0.00025%); highest among the groups gnomAD compares: Admixed American, 0.0034%; no homozygotes.

Submissions (5):

PreventionGenetics, part of Exact Sciences
Classification: Uncertain significance for MSH6-related condition. Last evaluated: 2025-08-29. Review status: criteria provided, single submitter. Criteria: ACMG Guidelines, 2015. Collection method: clinical testing. Allele origin: germline.
Comment: The MSH6 c.115G>A variant is predicted to result in the amino acid substitution p.Gly39Arg. This variant was reported in a control individual in a biliary tract cancer study (Table S2, Okawa et al. 2023. PubMed ID: 36243179). This variant is reported in 0.0058% of alleles in individuals of Latino descent in gnomAD. This variant has interpretations ranging from likely benign to uncertain significance in ClinVar (Variation ID: 483766). At this time, the clinical significance of this variant is uncertain due to the absence of conclusive functional and genetic evidence.

Color Diagnostics, LLC DBA Color Health
Classification: Uncertain significance for Hereditary cancer-predisposing syndrome. Last evaluated: 2024-03-06. Review status: criteria provided, single submitter. Criteria: ACMG Guidelines, 2015. Collection method: clinical testing. Allele origin: germline.
Comment: This missense variant replaces glycine with arginine at codon 39 of the MSH6 protein. Computational prediction suggests that this variant may not impact protein structure and function (internally defined REVEL score threshold <= 0.5, PMID: 27666373). Splice site prediction tools suggest that this variant may not impact RNA splicing. To our knowledge, functional studies have not been reported for this variant. This variant has not been reported in individuals affected with hereditary cancer in the literature. This variant has been identified in 4/264072 chromosomes in the general population by the Genome Aggregation Database (gnomAD). The available evidence is insufficient to determine the role of this variant in disease conclusively. Therefore, this variant is classified as a Variant of Uncertain Significance.

Labcorp Genetics (formerly Invitae), Labcorp
Classification: Uncertain significance for Hereditary nonpolyposis colorectal neoplasms. Last evaluated: 2023-07-28. Review status: criteria provided, single submitter. Criteria: Invitae Variant Classification Sherloc (09022015). Collection method: clinical testing. Allele origin: germline.
Comment: In summary, the available evidence is currently insufficient to determine the role of this variant in disease. Therefore, it has been classified as a Variant of Uncertain Significance. Advanced modeling of protein sequence and biophysical properties (such as structural, functional, and spatial information, amino acid conservation, physicochemical variation, residue mobility, and thermodynamic stability) performed at Invitae indicates that this missense variant is not expected to disrupt MSH6 protein function. ClinVar contains an entry for this variant (Variation ID: 483766). This variant has not been reported in the literature in individuals affected with MSH6-related conditions. This variant is present in population databases (rs751838296, gnomAD 0.006%). This sequence change replaces glycine, which is neutral and non-polar, with arginine, which is basic and polar, at codon 39 of the MSH6 protein (p.Gly39Arg).

GeneDx
Classification: Uncertain significance. Last evaluated: 2019-10-21. Review status: criteria provided, single submitter. Criteria: GeneDx Variant Classification Process June 2021. Collection method: clinical testing. Allele origin: germline. Affected: yes.
Comment: Not observed at a significant frequency in large population cohorts (Lek 2016); In silico analysis, which includes protein predictors and evolutionary conservation, supports that this variant does not alter protein structure/function; Has not been previously published as pathogenic or benign to our knowledge

Ambry Genetics
Classification: Likely benign for Hereditary cancer-predisposing syndrome. Last evaluated: 2018-04-24. Review status: criteria provided, single submitter. Criteria: Ambry Variant Classification Scheme 2023. Collection method: clinical testing. Allele origin: germline.

NM_000179.3(MSH6):c.115G>A (p.Gly39Arg)

Gene: MSH6 (mutS homolog 6; plus strand). Cytogenetic location: 2p16.3.
Variant type: single nucleotide variant.
Coding change: c.115G>A on transcript NM_000179.3 (MANE Select); coding-DNA position 115, G replaced by A.
Protein change: p.Gly39Arg; replaces glycine 39 with arginine.
Molecular consequence: missense variant. On other transcripts: 5 prime UTR variant (1).
Genome position (GRCh38, 1-based): chr2:47,783,348, G>A. VCF-style: chr2-47783348-G-A. GRCh37 (hg19) VCF-style: chr2-48010487-G-A.
Other names: c.115G>A, p.Gly39Arg (NM_001281492.2); c.-622G>A (NM_001281493.2); short protein forms G39R.
Identifiers: ClinVar variation 483766 (VCV000483766.23), dbSNP rs751838296, ClinGen allele CA067220.